The following is an entry in ClinVar:

ClinVar aggregate classification (germline): Pathogenic (1 of 4 stars; one submission).

Conditions:
Methylmalonic aciduria and homocystinuria type cblD (MAHCD). Also called: METHYLMALONIC ACIDEMIA, cblH TYPE; Methylmalonic aciduria with homocystinuria cblD type. Identifiers: Orphanet 622, Orphanet 79283, MedGen C1848552, MONDO:0010185, OMIM 277410.

Submission:

Labcorp Genetics (formerly Invitae), Labcorp
Classification: Pathogenic for Methylmalonic aciduria and homocystinuria type cblD. Last evaluated: 2021-04-13. Review status: criteria provided, single submitter. Criteria: Invitae Variant Classification Sherloc (09022015). Collection method: clinical testing. Allele origin: germline.
Comment: This sequence change creates a premature translational stop signal (p.Arg197Lysfs*4) in the MMADHC gene. It is expected to result in an absent or disrupted protein product. Loss-of-function variants in MMADHC are known to be pathogenic (PMID: 18385497). For these reasons, this variant has been classified as Pathogenic. This variant has not been reported in the literature in individuals with MMADHC-related conditions. This variant is not present in population databases (ExAC no frequency).

Literature cited by the submitters: PubMed 18385497.

NM_015702.3(MMADHC):c.585_588del (p.Arg197fs)

Gene: MMADHC (metabolism of cobalamin associated D; minus strand). Cytogenetic location: 2q23.2.
Variant type: Deletion.
Coding change: c.585_588del on transcript NM_015702.3 (MANE Select); coding-DNA positions 585 to 588, 4 bases deleted (TGAA; older notation c.585_588delTGAA).
Protein change: p.Arg197fs; shifts the reading frame from arginine 197.
Molecular consequence: frameshift variant.
Genome position (GRCh38, 1-based): chr2:149,575,732-149,575,735, TTCA deleted on the plus strand (TGAA on the coding strand, the reverse complement: MMADHC is on the minus strand). VCF-style (leftmost placement, unchanged base first): chr2-149575731-TTTCA-T. GRCh37 (hg19) VCF-style: chr2-150432245-TTTCA-T.
Other names: short protein forms R197fs.
Identifiers: ClinVar variation 1455539 (VCV001455539.6), dbSNP rs2105045491, ClinGen allele CA2573133311.